The following is an entry in ClinVar:

ClinVar aggregate classification (germline): Uncertain significance (1 of 4 stars; one submission).

Conditions:
Hereditary cancer-predisposing syndrome. Also called: Neoplastic Syndromes, Hereditary; Hereditary Cancer Syndrome; Hereditary neoplastic syndrome; Tumor predisposition. Identifiers: Orphanet 140162, MedGen C0027672, MeSH D009386, MONDO:0015356.

Submission:

Ambry Genetics
Classification: Uncertain significance for Hereditary cancer-predisposing syndrome. Last evaluated: 2023-04-28. Review status: criteria provided, single submitter. Criteria: Ambry Variant Classification Scheme 2023. Collection method: clinical testing. Allele origin: germline.
Comment: The p.S394R variant (also known as c.1180A>C), located in coding exon 7 of the MEN1 gene, results from an A to C substitution at nucleotide position 1180. The serine at codon 394 is replaced by arginine, an amino acid with dissimilar properties. This amino acid position is conserved. In addition, this alteration is predicted to be tolerated by in silico analysis. Since supporting evidence is limited at this time, the clinical significance of this alteration remains unclear.

NM_001370259.2(MEN1):c.1180A>C (p.Ser394Arg)

Gene: MEN1 (menin 1; minus strand). Cytogenetic location: 11q13.1.
Variant type: single nucleotide variant.
Coding change: c.1180A>C on transcript NM_001370259.2 (MANE Select); coding-DNA position 1180, A replaced by C.
Protein change: p.Ser394Arg; replaces serine 394 with arginine.
Molecular consequence: missense variant. On other transcripts: non-coding transcript variant (4).
Genome position (GRCh38, 1-based): chr11:64,805,640, T>G on the plus strand (A>C on the coding strand, the complement: MEN1 is on the minus strand). VCF-style: chr11-64805640-T-G. GRCh37 (hg19) VCF-style: chr11-64573112-T-G.
Other names: c.1195A>C, p.Ser399Arg (NM_000244.4, NM_001407145.1, NM_130800.3 and 4 more transcripts); c.1306A>C, p.Ser436Arg (NM_001370251.2, NM_001407142.1, NM_001407143.1 and 1 more transcripts); c.1180A>C, p.Ser394Arg (NM_001370260.2, NM_001370261.2, NM_001407146.1 and 3 more transcripts); c.1075A>C, p.Ser359Arg (NM_001370262.2, NM_001370263.2, NM_001407148.1 and 1 more transcripts); c.1321A>C, p.Ser441Arg (NM_001407150.1); c.1201A>C, p.Ser401Arg (NM_001407151.1); short protein forms S394R, S441R, S399R, S436R, S359R, S401R.
Identifiers: ClinVar variation 2564972 (VCV002564972.2), dbSNP rs2497155964, ClinGen allele CA381182038.